The following is an entry in ClinVar:

ClinVar aggregate classification (germline): Uncertain significance. Review status: criteria provided, multiple submitters, no conflicts (2 of 4 stars). 3 submissions from 3 submitters: Uncertain significance (3). Last evaluated 2023-04-11.

Conditions:
Developmental and epileptic encephalopathy, 23 (DEE23). Also called: Epileptic encephalopathy, early infantile, 23. Identifiers: Orphanet 411986, MedGen C4014492, MONDO:0014371, OMIM 615859.

Allele frequency attached by ClinVar (database versions not stated): gnomAD exomes 0.00001 and 0.00002; gnomAD 0.00001; ExAC 0.00003.
gnomAD v4.1: 19 of 1,610,646 alleles (0.0012%); highest among the groups gnomAD compares: Non-Finnish European, 0.0016%; no homozygotes.

Submissions (3):

Genome-Nilou Lab
Classification: Uncertain significance for Developmental and epileptic encephalopathy, 23. Last evaluated: 2023-04-11. Review status: criteria provided, single submitter. Criteria: ACMG Guidelines, 2015. Collection method: clinical testing. Allele origin: germline. Affected: no.

GeneDx
Classification: Uncertain significance. Last evaluated: 2023-02-27. Review status: criteria provided, single submitter. Criteria: GeneDx Variant Classification Process June 2021. Collection method: clinical testing. Allele origin: germline.
Comment: Not observed at significant frequency in large population cohorts (gnomAD); In silico analysis supports that this missense variant has a deleterious effect on protein structure/function; Has not been previously published as pathogenic or benign to our knowledge

Labcorp Genetics (formerly Invitae), Labcorp
Classification: Uncertain significance for Developmental and epileptic encephalopathy, 23. Last evaluated: 2022-02-04. Review status: criteria provided, single submitter. Criteria: Invitae Variant Classification Sherloc (09022015). Collection method: clinical testing. Allele origin: germline.
Comment: This sequence change replaces proline, which is neutral and non-polar, with alanine, which is neutral and non-polar, at codon 735 of the DOCK7 protein (p.Pro735Ala). This variant is present in population databases (rs773479192, gnomAD 0.004%). This variant has not been reported in the literature in individuals affected with DOCK7-related conditions. ClinVar contains an entry for this variant (Variation ID: 945315). Algorithms developed to predict the effect of missense changes on protein structure and function (SIFT, PolyPhen-2, Align-GVGD) all suggest that this variant is likely to be tolerated. In summary, the available evidence is currently insufficient to determine the role of this variant in disease. Therefore, it has been classified as a Variant of Uncertain Significance.

NM_001367561.1(DOCK7):c.2203C>G (p.Pro735Ala)

Gene: DOCK7 (dedicator of cytokinesis 7; minus strand). Cytogenetic location: 1p31.3.
Variant type: single nucleotide variant.
Coding change: c.2203C>G on transcript NM_001367561.1 (MANE Select); coding-DNA position 2203, C replaced by G.
Protein change: p.Pro735Ala; replaces proline 735 with alanine.
Molecular consequence: missense variant.
Genome position (GRCh38, 1-based): chr1:62,559,217, G>C on the plus strand (C>G on the coding strand, the complement: DOCK7 is on the minus strand). VCF-style: chr1-62559217-G-C. GRCh37 (hg19) VCF-style: chr1-63024888-G-C.
Other names: c.2203C>G, p.Pro735Ala (NM_001271999.2, NM_001272000.2, NM_001272001.2 and 2 more transcripts); short protein forms P735A.
Identifiers: ClinVar variation 945315 (VCV000945315.10), dbSNP rs773479192, ClinGen allele CA886323.